The following is an entry in ClinVar:

NM_001354604.2(MITF):c.*12T>C

Gene: MITF (melanocyte inducing transcription factor; plus strand). Cytogenetic location: 3p13.
Variant type: single nucleotide variant.
Coding change: c.*12T>C on transcript NM_001354604.2 (MANE Select); 12 bases downstream of the stop codon, T replaced by C.
Molecular consequence: 3 prime UTR variant.
Genome position (GRCh38, 1-based): chr3:69,965,260, T>C. VCF-style: chr3-69965260-T-C. GRCh37 (hg19) VCF-style: chr3-70014411-T-C.
Other names: c.*12T>C (NM_000248.4, NM_001184967.2, NM_001354605.2 and 8 more transcripts).
Identifiers: ClinVar variation 346502 (VCV000346502.6), dbSNP rs201375960, ClinGen allele CA2490708.
Genomic context (GRCh38, chr3:69,965,260, plus strand): 5'-CAGCCGGAGGAGCAGTATGAGCATGGAAGAGACGGAGCACACTTGTTAGCGAATCCTCCC[T>C]GCACTGCATTCGCACAAACTGCTTCCTTTCTTGATTCGTAGATTTAATAACTTACCTGAA-3'

ClinVar aggregate classification (germline): Benign/Likely benign. Review status: criteria provided, multiple submitters, no conflicts (2 of 4 stars). 3 submissions from 2 submitters: Benign (1); Likely benign (2). Last evaluated 2024-10-21.

Conditions:
Waardenburg syndrome type 2A (WS2A). Also called: WAARDENBURG SYNDROME WITHOUT DYSTOPIA CANTHORUM. Identifiers: Orphanet 3440, MedGen C1860339, MONDO:0008671, OMIM 193510.
Tietz syndrome (TADS). Also called: ALBINISM-DEAFNESS OF TIETZ; HYPOPIGMENTATION/DEAFNESS OF TIETZ; TIETZ ALBINISM-DEAFNESS SYNDROME. Identifiers: Orphanet 42665, MedGen C0391816, MONDO:0007077, OMIM 103500.

Allele frequency attached by ClinVar (database versions not stated): ESP Exome Variant Server 0.00008; gnomAD exomes 0.00008 and 0.00016; ExAC 0.00009; gnomAD 0.00011 and 0.00012; TOPMed 0.00012.
gnomAD v4.1: 141 of 1,611,930 alleles (0.0087%); highest among the groups gnomAD compares: Middle Eastern, 0.016%; no homozygotes.

Submissions (3):

Blueprint Genetics
Classification: Likely benign. Last evaluated: 2024-10-21. Review status: criteria provided, single submitter. Criteria: ACMG Guidelines, 2015. Collection method: clinical testing. Allele origin: germline.

Illumina Laboratory Services, Illumina
Classification: Benign for Tietz syndrome. Last evaluated: 2018-01-13. Review status: criteria provided, single submitter. Criteria: ICSL Variant Classification Criteria 13 December 2019. Collection method: clinical testing. Allele origin: germline.
Comment: This variant was observed in the ICSL laboratory as part of a predisposition screen in an ostensibly healthy population. It had not been previously curated by ICSL or reported in the Human Gene Mutation Database (HGMD: prior to June 1st, 2018), and was therefore a candidate for classification through an automated scoring system. Utilizing variant allele frequency, disease prevalence and penetrance estimates, and inheritance mode, an automated score was calculated to assess if this variant is too frequent to cause the disease. Based on the score and internal cut-off values, a variant classified as benign is not then subjected to further curation. The score for this variant resulted in a classification of benign for this disease.

Illumina Laboratory Services, Illumina
Classification: Likely benign for Waardenburg syndrome type 2A. Last evaluated: 2018-01-13. Review status: criteria provided, single submitter. Criteria: ICSL Variant Classification Criteria 13 December 2019. Collection method: clinical testing. Allele origin: germline.
Comment: This variant was observed in the ICSL laboratory as part of a predisposition screen in an ostensibly healthy population. It had not been previously curated by ICSL or reported in the Human Gene Mutation Database (HGMD: prior to June 1st, 2018), and was therefore a candidate for classification through an automated scoring system. Utilizing variant allele frequency, disease prevalence and penetrance estimates, and inheritance mode, an automated score was calculated to assess if this variant is too frequent to cause the disease. Based on the score and internal cut-off values, a variant classified as likely benign is not then subjected to further curation. The score for this variant resulted in a classification of likely benign for this disease.